The following is an entry in ClinVar:

NM_024675.4(PALB2):c.2525C>G (p.Ala842Gly)

Gene: PALB2 (partner and localizer of BRCA2; minus strand). Cytogenetic location: 16p12.2.
Variant type: single nucleotide variant.
Coding change: c.2525C>G on transcript NM_024675.4 (MANE Select); coding-DNA position 2525, C replaced by G.
Protein change: p.Ala842Gly; replaces alanine 842 with glycine.
Molecular consequence: missense variant.
Genome position (GRCh38, 1-based): chr16:23,629,265, G>C on the plus strand (C>G on the coding strand, the complement: PALB2 is on the minus strand). VCF-style: chr16-23629265-G-C. GRCh37 (hg19) VCF-style: chr16-23640586-G-C.
Other names: short protein forms A842G.
Identifiers: ClinVar variation 830169 (VCV000830169.1), dbSNP rs1966854035, ClinGen allele CA395123846.
Genomic context (GRCh38, chr16:23,629,265, plus strand): 5'-TTTAACTCTGAAACCAATTGTAGGTTGCCTGGGTTTATGCTATCAGAAGCAGGAAGCTCT[G>C]CTGTTTCAGTCTGTGAAAACAAAAGTCACATCATTAGTCTACACTTTATGTATAATGTCT-3'
Protein context (NP_078951.2, residues 832-852): HKHSVEQTET[Ala842Gly]ELPASDSINP

ClinVar aggregate classification (germline): Uncertain significance (0 of 4 stars; one submission).

Submission:

Leiden Open Variation Database
Classification: Uncertain significance. Last evaluated: 2018-08-25. Review status: no assertion criteria provided. Collection method: curation. Allele origin: germline. Affected: yes.
Comment: Curators: Marc Tischkowitz, Arleen D. Auerbach. Submitter to LOVD: Yukihide Momozawa.

Literature cited by the submitters: PubMed 30287823.